The following is an entry in ClinVar:

NM_014334.4(FRRS1L):c.41C>T (p.Ser14Leu)

Gene: FRRS1L (ferric chelate reductase 1 like; minus strand). Cytogenetic location: 9q31.3.
Variant type: single nucleotide variant.
Coding change: c.41C>T on transcript NM_014334.4 (MANE Select); coding-DNA position 41, C replaced by T.
Protein change: p.Ser14Leu; replaces serine 14 with leucine.
Molecular consequence: missense variant.
Genome position (GRCh38, 1-based): chr9:109,167,098, G>A on the plus strand (C>T on the coding strand, the complement: FRRS1L is on the minus strand). VCF-style: chr9-109167098-G-A. GRCh37 (hg19) VCF-style: chr9-111929378-G-A.
Other names: short protein forms S14L.
Identifiers: ClinVar variation 2117412 (VCV002117412.4), dbSNP rs1831564675, ClinGen allele CA374430616.

ClinVar aggregate classification (germline): Uncertain significance (1 of 4 stars; one submission).

Conditions:
Developmental and epileptic encephalopathy, 37 (DEE37). Also called: Epileptic encephalopathy, early infantile, 37. Identifiers: MedGen C4310770, MONDO:0014859, OMIM 616981.

Submission:

Labcorp Genetics (formerly Invitae), Labcorp
Classification: Uncertain significance for Developmental and epileptic encephalopathy, 37. Last evaluated: 2022-03-26. Review status: criteria provided, single submitter. Criteria: Invitae Variant Classification Sherloc (09022015). Collection method: clinical testing. Allele origin: germline.
Comment: The frequency data for this variant in the population databases is considered unreliable, as metrics indicate insufficient coverage at this position in the gnomAD database. This sequence change replaces serine, which is neutral and polar, with leucine, which is neutral and non-polar, at codon 65 of the FRRS1L protein (p.Ser65Leu). This variant has not been reported in the literature in individuals affected with FRRS1L-related conditions. Algorithms developed to predict the effect of missense changes on protein structure and function (SIFT, PolyPhen-2, Align-GVGD) all suggest that this variant is likely to be tolerated. In summary, the available evidence is currently insufficient to determine the role of this variant in disease. Therefore, it has been classified as a Variant of Uncertain Significance.